The following is an entry in ClinVar:

ClinVar aggregate classification (germline): Uncertain significance. Review status: criteria provided, multiple submitters, no conflicts (2 of 4 stars). 2 submissions from 2 submitters: Uncertain significance (2). Last evaluated 2024-03-08.

Conditions:
Wilson disease (WND). Also called: Wilson's disease. Identifiers: Orphanet 905, MedGen C0019202, MONDO:0010200, OMIM 277900. Disease mechanism: loss of function.

Submissions (2):

Fulgent Genetics
Classification: Uncertain significance for Wilson disease. Last evaluated: 2024-03-08. Review status: criteria provided, single submitter. Criteria: ACMG Guidelines, 2015. Collection method: clinical testing. Allele origin: germline.

Labcorp Genetics (formerly Invitae), Labcorp
Classification: Uncertain significance for Wilson disease. Last evaluated: 2022-05-19. Review status: criteria provided, single submitter. Criteria: Invitae Variant Classification Sherloc (09022015). Collection method: clinical testing. Allele origin: germline.
Comment: This sequence change falls in intron 13 of the ATP7B gene. It does not directly change the encoded amino acid sequence of the ATP7B protein. This variant is present in population databases (no rsID available, gnomAD 0.003%). This variant has not been reported in the literature in individuals affected with ATP7B-related conditions. Algorithms developed to predict the effect of sequence changes on RNA splicing suggest that this variant may disrupt the consensus splice site. In summary, the available evidence is currently insufficient to determine the role of this variant in disease. Therefore, it has been classified as a Variant of Uncertain Significance.

NM_000053.4(ATP7B):c.3061-12T>G

Gene: ATP7B (ATPase copper transporting beta; minus strand). Cytogenetic location: 13q14.3.
Variant type: single nucleotide variant.
Coding change: c.3061-12T>G on transcript NM_000053.4 (MANE Select); 12 bases into the intron before coding-DNA position 3061, T replaced by G.
Molecular consequence: intron variant.
Genome position (GRCh38, 1-based): chr13:51,944,303, A>C on the plus strand (T>G on the coding strand, the complement: ATP7B is on the minus strand). VCF-style: chr13-51944303-A-C. GRCh37 (hg19) VCF-style: chr13-52518439-A-C.
Other names: c.2728-12T>G (NM_001243182.2); c.2440-12T>G (NM_001005918.3); c.2809-12T>G (NM_001330579.2); c.2827-12T>G (NM_001330578.2).
Identifiers: ClinVar variation 1952585 (VCV001952585.6), dbSNP rs1045194246, ClinGen allele CA610425799.